The following is an entry in ClinVar:

ClinVar aggregate classification (germline): Uncertain significance (1 of 4 stars; one submission).

Conditions:
Aicardi-Goutieres syndrome 3. Identifiers: Orphanet 51, MedGen C1835916, MONDO:0012471, OMIM 610329.

gnomAD v4.1: 1 of 1,614,138 alleles (0.000062%); highest among the groups gnomAD compares: Non-Finnish European, 0.000085%; no homozygotes.

Submission:

Labcorp Genetics (formerly Invitae), Labcorp
Classification: Uncertain significance for Aicardi-Goutieres syndrome 3. Last evaluated: 2024-02-23. Review status: criteria provided, single submitter. Criteria: Invitae Variant Classification Sherloc (09022015). Collection method: clinical testing. Allele origin: germline.
Comment: This sequence change replaces isoleucine, which is neutral and non-polar, with asparagine, which is neutral and polar, at codon 157 of the RNASEH2C protein (p.Ile157Asn). This variant is not present in population databases (gnomAD no frequency). This variant has not been reported in the literature in individuals affected with RNASEH2C-related conditions. ClinVar contains an entry for this variant (Variation ID: 1713763). An algorithm developed to predict the effect of missense changes on protein structure and function (PolyPhen-2) suggests that this variant is likely to be disruptive. In summary, the available evidence is currently insufficient to determine the role of this variant in disease. Therefore, it has been classified as a Variant of Uncertain Significance.

NM_032193.4(RNASEH2C):c.470T>A (p.Ile157Asn)

Gene: RNASEH2C (ribonuclease H2 subunit C; minus strand). Cytogenetic location: 11q13.1.
Variant type: single nucleotide variant.
Coding change: c.470T>A on transcript NM_032193.4 (MANE Select); coding-DNA position 470, T replaced by A.
Protein change: p.Ile157Asn; replaces isoleucine 157 with asparagine.
Molecular consequence: missense variant.
Genome position (GRCh38, 1-based): chr11:65,719,808, A>T on the plus strand (T>A on the coding strand, the complement: RNASEH2C is on the minus strand). VCF-style: chr11-65719808-A-T. GRCh37 (hg19) VCF-style: chr11-65487279-A-T.
Other names: short protein forms I157N.
Identifiers: ClinVar variation 1713763 (VCV001713763.5), dbSNP rs769367289, ClinGen allele CA381293758.